The following is an entry in ClinVar:

ClinVar aggregate classification (germline): Benign. Review status: criteria provided, multiple submitters, no conflicts (2 of 4 stars). 2 submissions from 2 submitters: Benign (2). Last evaluated 2018-01-13.

Conditions:
Junctional epidermolysis bullosa with pyloric atresia. Also called: ITGB4-Related Epidermolysis Bullosa with Pyloric Atresia; ITGA6-Related Epidermolysis Bullosa with Pyloric Atresia; EPIDERMOLYSIS BULLOSA, JUNCTIONAL 5B, WITH PYLORIC ATRESIA; APLASIA CUTIS CONGENITA WITH GASTROINTESTINAL ATRESIA; CARMI SYNDROME; EB-PA-ACC. Identifiers: Orphanet 79403, MedGen C5676875, MONDO:0009183, OMIM 226730.

Allele frequency attached by ClinVar (database versions not stated): 1000 Genomes Project 30x 0.03716; gnomAD 0.03818 and 0.03560; TOPMed 0.03968; 1000 Genomes Project 0.03454.
gnomAD v4.1: 5,366 of 152,210 alleles (3.5%); highest among the groups gnomAD compares: African/African-American, 11%; 244 homozygotes.

Submissions (2):

Illumina Laboratory Services, Illumina
Classification: Benign for Junctional epidermolysis bullosa with pyloric atresia. Last evaluated: 2018-01-13. Review status: criteria provided, single submitter. Criteria: ICSL Variant Classification Criteria 13 December 2019. Collection method: clinical testing. Allele origin: germline.
Comment: This variant was observed in the ICSL laboratory as part of a predisposition screen in an ostensibly healthy population. It had not been previously curated by ICSL or reported in the Human Gene Mutation Database (HGMD: prior to June 1st, 2018), and was therefore a candidate for classification through an automated scoring system. Utilizing variant allele frequency, disease prevalence and penetrance estimates, and inheritance mode, an automated score was calculated to assess if this variant is too frequent to cause the disease. Based on the score and internal cut-off values, a variant classified as benign is not then subjected to further curation. The score for this variant resulted in a classification of benign for this disease.

Breakthrough Genomics
Classification: Benign. Review status: criteria provided, single submitter. Criteria: ACMG Guidelines, 2015. Collection method: not provided. Allele origin: germline. Inheritance: Autosomal recessive inheritance. Affected: yes.

NM_000210.4(ITGA6):c.*2374T>C

Genes: ITGA6 (integrin subunit alpha 6; plus strand), PDK1-AS1 (PDK1 and ITGA6 antisense RNA 1; minus strand). Cytogenetic location: 2q31.1.
Variant type: single nucleotide variant.
Coding change: c.*2374T>C on transcript NM_000210.4 (MANE Select); 2374 bases downstream of the stop codon, T replaced by C.
Molecular consequence: 3 prime UTR variant.
Genome position (GRCh38, 1-based): chr2:172,506,442, T>C. VCF-style: chr2-172506442-T-C. GRCh37 (hg19) VCF-style: chr2-173371170-T-C.
Other names: c.*2190T>C (NM_001079818.3, NM_001365529.2); c.*2374T>C (NM_001316306.2, NM_001365530.2).
Identifiers: ClinVar variation 332426 (VCV000332426.6), dbSNP rs16860642, ClinGen allele CA10611414.
Genomic context (GRCh38, chr2:172,506,442, plus strand): 5'-TATGTAGGTGATCCTCAAGTCTTTCATTTTCCTTCTTTATGATTAAAAGAAACCTACAGG[T>C]ATTTAACAACCTACAAATTGGGAGTTGTCTTTGGACTGAATCCTCCTCTTCACTGCCTGT-3'